The following is an entry in ClinVar:

NC_000023.10:g.(?_32827600)_(32841967_?)dup

Gene: DMD (dystrophin; minus strand). Cytogenetic location: Xp21.1.
Variant type: Duplication.
Identifiers: ClinVar variation 1074665 (VCV001074665.1).

ClinVar aggregate classification (germline): Pathogenic (1 of 4 stars; one submission).

Conditions:
Duchenne muscular dystrophy (DMD). Also called: MUSCULAR DYSTROPHY, PSEUDOHYPERTROPHIC PROGRESSIVE, DUCHENNE TYPE; Duchenne Muscular Dystrophy (DMD). Identifiers: Orphanet 98896, MedGen C0013264, MONDO:0010679, OMIM 310200.

Submission:

Labcorp Genetics (formerly Invitae), Labcorp
Classification: Pathogenic for Duchenne muscular dystrophy. Last evaluated: 2020-06-22. Review status: criteria provided, single submitter. Criteria: Invitae Variant Classification Sherloc (09022015). Collection method: clinical testing. Allele origin: germline.
Comment: This variant is a gross duplication of the genomic region encompassing exons 5-7 of the DMD gene. While the exact position of the duplicated exons cannot be determined from this data, sub-genic duplications are generally in tandem (PMID: 25640679) and may result in an absent or disrupted protein product. This variant has been reported in several individuals affected with DMD-related muscular dystrophy (PMID: 16917894, 18683213, 27206868, 17726484, 18752307). Loss-of-function variants in DMD are known to be pathogenic (PMID: 16770791, 25007885). For these reasons, this variant has been classified as Pathogenic.

Literature cited by the submitters: PubMed 25640679; PubMed 16917894; PubMed 18683213; PubMed 27206868; PubMed 17726484; PubMed 18752307; PubMed 16770791; PubMed 25007885.